The following is an entry in ClinVar:

NM_024740.2(ALG9):c.992del (p.Met331fs)

Gene: ALG9 (ALG9 alpha-1,2-mannosyltransferase; minus strand). Cytogenetic location: 11q23.1.
Variant type: Deletion.
Coding change: c.992del on transcript NM_024740.2 (MANE Select); coding-DNA position 992, one base deleted (T; older notation c.992delT).
Protein change: p.Met331fs; shifts the reading frame from methionine 331.
Molecular consequence: frameshift variant. On other transcripts: non-coding transcript variant (1), intron variant (2).
Genome position (GRCh38, 1-based): chr11:111,844,627, A deleted on the plus strand (T on the coding strand, the reverse complement: ALG9 is on the minus strand). VCF-style (leftmost placement, unchanged base first): chr11-111844626-CA-C. GRCh37 (hg19) VCF-style: chr11-111715349-CA-C.
Other names: c.992del, p.Met331fs (NM_001077690.1, NM_001352417.1); c.479del, p.Met160fs (NM_001077691.2, NM_001077692.2, NM_001352409.1 and 10 more transcripts); c.404del, p.Met135fs (NM_001352422.2); c.896-3818del (NM_001352418.1); c.383-3818del (NM_001352423.2); short protein forms M135fs, M331fs, M160fs.
Identifiers: ClinVar variation 1434153 (VCV001434153.6), dbSNP rs2136936118, ClinGen allele CA2573146832.

ClinVar aggregate classification (germline): Pathogenic (1 of 4 stars; one submission).

Conditions:
ALG9 congenital disorder of glycosylation (CDG1L). Also called: CDG Il; CONGENITAL DISORDER OF GLYCOSYLATION, TYPE Il; ALG9-CDG. Identifiers: Orphanet 79328, MedGen C2931006, MONDO:0012117, OMIM 608776.

Submission:

Labcorp Genetics (formerly Invitae), Labcorp
Classification: Pathogenic for ALG9 congenital disorder of glycosylation. Last evaluated: 2021-01-08. Review status: criteria provided, single submitter. Criteria: Invitae Variant Classification Sherloc (09022015). Collection method: clinical testing. Allele origin: germline.
Comment: This sequence change creates a premature translational stop signal (p.Met331Argfs*13) in the ALG9 gene. It is expected to result in an absent or disrupted protein product. Loss-of-function variants in ALG9 are known to be pathogenic (PMID: 25966638). For these reasons, this variant has been classified as Pathogenic. This variant has not been reported in the literature in individuals with ALG9-related conditions. This variant is not present in population databases (ExAC no frequency).

Literature cited by the submitters: PubMed 25966638.